The following is an entry in ClinVar:

NM_005477.3(HCN4):c.62C>T (p.Ala21Val)

Gene: HCN4 (hyperpolarization activated cyclic nucleotide gated potassium channel 4; minus strand). Cytogenetic location: 15q24.1.
Variant type: single nucleotide variant.
Coding change: c.62C>T on transcript NM_005477.3 (MANE Select); coding-DNA position 62, C replaced by T.
Protein change: p.Ala21Val; replaces alanine 21 with valine.
Molecular consequence: missense variant.
Genome position (GRCh38, 1-based): chr15:73,368,209, G>A on the plus strand (C>T on the coding strand, the complement: HCN4 is on the minus strand). VCF-style: chr15-73368209-G-A. GRCh37 (hg19) VCF-style: chr15-73660550-G-A.
Other names: short protein forms A21V.
Identifiers: ClinVar variation 2626623 (VCV002626623.4), dbSNP rs867522153, ClinGen allele CA393099155.

ClinVar aggregate classification (germline): Uncertain significance. Review status: criteria provided, multiple submitters, no conflicts (2 of 4 stars). 2 submissions from 2 submitters: Uncertain significance (2). Last evaluated 2024-02-03.

Conditions:
Brugada syndrome 8 (BRGDA8). Identifiers: Orphanet 130, MedGen C2751083, MONDO:0013148, OMIM 613123.
Cardiovascular phenotype. Identifiers: MedGen CN230736.

Allele frequency attached by ClinVar (database versions not stated): gnomAD exomes below 0.00001.
gnomAD v4.1: 3 of 1,531,076 alleles (0.0002%); highest among the groups gnomAD compares: African/African-American, 0.0014%; no homozygotes.

Submissions (2):

Labcorp Genetics (formerly Invitae), Labcorp
Classification: Uncertain significance for Brugada syndrome 8. Last evaluated: 2024-02-03. Review status: criteria provided, single submitter. Criteria: Invitae Variant Classification Sherloc (09022015). Collection method: clinical testing. Allele origin: germline.
Comment: This sequence change replaces alanine, which is neutral and non-polar, with valine, which is neutral and non-polar, at codon 21 of the HCN4 protein (p.Ala21Val). This variant is not present in population databases (gnomAD no frequency). This variant has not been reported in the literature in individuals affected with HCN4-related conditions. ClinVar contains an entry for this variant (Variation ID: 2626623). Advanced modeling of protein sequence and biophysical properties (such as structural, functional, and spatial information, amino acid conservation, physicochemical variation, residue mobility, and thermodynamic stability) performed at Invitae indicates that this missense variant is not expected to disrupt HCN4 protein function with a negative predictive value of 95%. In summary, the available evidence is currently insufficient to determine the role of this variant in disease. Therefore, it has been classified as a Variant of Uncertain Significance.

Ambry Genetics
Classification: Uncertain significance for Cardiovascular phenotype. Last evaluated: 2023-08-29. Review status: criteria provided, single submitter. Criteria: Ambry Variant Classification Scheme 2023. Collection method: clinical testing. Allele origin: germline.
Comment: The p.A21V variant (also known as c.62C>T), located in coding exon 1 of the HCN4 gene, results from a C to T substitution at nucleotide position 62. The alanine at codon 21 is replaced by valine, an amino acid with similar properties. This amino acid position is conserved. In addition, this alteration is predicted to be tolerated by in silico analysis. Since supporting evidence is limited at this time, the clinical significance of this alteration remains unclear.